The following is an entry in ClinVar:

ClinVar aggregate classification (germline): Uncertain significance (1 of 4 stars; one submission).

gnomAD v4.1: 3 of 1,608,962 alleles (0.00019%); highest among the groups gnomAD compares: Admixed American, 0.0034%; no homozygotes.

Submission:

Labcorp Genetics (formerly Invitae), Labcorp
Classification: Uncertain significance. Last evaluated: 2022-11-16. Review status: criteria provided, single submitter. Criteria: Invitae Variant Classification Sherloc (09022015). Collection method: clinical testing. Allele origin: germline.
Comment: In summary, the available evidence is currently insufficient to determine the role of this variant in disease. Therefore, it has been classified as a Variant of Uncertain Significance. Advanced modeling of protein sequence and biophysical properties (such as structural, functional, and spatial information, amino acid conservation, physicochemical variation, residue mobility, and thermodynamic stability) performed at Invitae indicates that this missense variant is expected to disrupt COL9A2 protein function. This variant has not been reported in the literature in individuals affected with COL9A2-related conditions. This variant is present in population databases (no rsID available, gnomAD 0.003%). This sequence change replaces glycine, which is neutral and non-polar, with arginine, which is basic and polar, at codon 635 of the COL9A2 protein (p.Gly635Arg).

NM_001852.4(COL9A2):c.1903G>C (p.Gly635Arg)

Gene: COL9A2 (collagen type IX alpha 2 chain; minus strand). Cytogenetic location: 1p34.2.
Variant type: single nucleotide variant.
Coding change: c.1903G>C on transcript NM_001852.4 (MANE Select); coding-DNA position 1903, G replaced by C.
Protein change: p.Gly635Arg; replaces glycine 635 with arginine.
Molecular consequence: missense variant.
Genome position (GRCh38, 1-based): chr1:40,301,349, C>G on the plus strand (G>C on the coding strand, the complement: COL9A2 is on the minus strand). VCF-style: chr1-40301349-C-G. GRCh37 (hg19) VCF-style: chr1-40767021-C-G.
Other names: short protein forms G635R.
Identifiers: ClinVar variation 1997201 (VCV001997201.4), dbSNP rs768840439, ClinGen allele CA339874298.
Genomic context (GRCh38, chr1:40,301,349, plus strand): 5'-GCAGGCCAGGTCGACCTGCCTCTCCTGGAGCCCCTGGGGACCCTCGATCTCCATCCTTGC[C>G]GTTGATTGCCTGGCCAGGCCGGCCAGGGAGTCCTGTGAACAGGAGAAAGTCAAGACATTA-3'
Protein context (NP_001843.1, residues 625-645): LPGRPGQAIN[Gly635Arg]KDGDRGSPGA